The following is an entry in ClinVar:

ClinVar aggregate classification (germline): Conflicting classifications of pathogenicity. Review status: criteria provided, conflicting classifications (1 of 4 stars). 5 submissions from 5 submitters: Uncertain significance (1); Likely benign (3). 1 of the submissions does not count toward it. Last evaluated 2025-03-18.

Conditions:
COL6A1-related disorder. Also called: COL6A1-related condition.
Bethlem myopathy 1A. Also called: MYOPATHY, BENIGN CONGENITAL, WITH CONTRACTURES; Bethlem myopathy 1; Bethlem Muscular Dystrophy. Identifiers: Orphanet 610, MedGen CN029274, MONDO:0024530, OMIM 158810.

Allele frequency attached by ClinVar (database versions not stated): ExAC 0.00002; gnomAD 0.00007 and 0.00008; TOPMed 0.00007; ESP Exome Variant Server 0.00008.
gnomAD v4.1: 37 of 1,613,902 alleles (0.0023%); highest among the groups gnomAD compares: Non-Finnish European, 0.0029%; no homozygotes.

Submissions (5):

Labcorp Genetics (formerly Invitae), Labcorp
Classification: Likely benign for Bethlem myopathy 1A. Last evaluated: 2025-03-18. Review status: criteria provided, single submitter. Criteria: Invitae Variant Classification Sherloc (09022015). Collection method: clinical testing. Allele origin: germline.

Blueprint Genetics
Classification: Likely benign. Last evaluated: 2023-09-08. Review status: criteria provided, single submitter. Criteria: ACMG Guidelines, 2015. Collection method: clinical testing. Allele origin: germline.

Eurofins Ntd Llc (ga)
Classification: Uncertain significance. Last evaluated: 2018-02-15. Review status: criteria provided, single submitter. Criteria: EGL ClinVar v180209 classification definitions. Collection method: clinical testing. Allele origin: germline. Observed: 2 variant alleles, 2 heterozygotes.

GeneDx
Classification: Likely benign. Last evaluated: 2016-08-05. Review status: criteria provided, single submitter. Criteria: GeneDx Variant Classification (06012015). Collection method: clinical testing. Allele origin: germline. Affected: yes.
Comment: This variant is considered likely benign or benign based on one or more of the following criteria: it is a conservative change, it occurs at a poorly conserved position in the protein, it is predicted to be benign by multiple in silico algorithms, and/or has population frequency not consistent with disease.

PreventionGenetics, part of Exact Sciences
Classification: Likely benign for COL6A1-related condition. Last evaluated: 2023-08-30. Review status: no assertion criteria provided. Collection method: clinical testing. Allele origin: germline. Not counted in ClinVar's aggregate classification.
Comment: This variant is classified as likely benign based on ACMG/AMP sequence variant interpretation guidelines (Richards et al. 2015 PMID: 25741868, with internal and published modifications).

NM_001848.3(COL6A1):c.2464+9C>T

Gene: COL6A1 (collagen type VI alpha 1 chain; plus strand). Cytogenetic location: 21q22.3.
Variant type: single nucleotide variant.
Coding change: c.2464+9C>T on transcript NM_001848.3 (MANE Select); 9 bases into the intron after coding-DNA position 2464, C replaced by T.
Molecular consequence: intron variant.
Genome position (GRCh38, 1-based): chr21:46,003,158, C>T. VCF-style: chr21-46003158-C-T. GRCh37 (hg19) VCF-style: chr21-47423072-C-T.
Identifiers: ClinVar variation 286031 (VCV000286031.15), dbSNP rs368651226, ClinGen allele CA10070905.